The following is an entry in ClinVar:

NM_000465.4(BARD1):c.-2C>G

Gene: BARD1 (BRCA1 associated RING domain 1; minus strand). Cytogenetic location: 2q35.
Variant type: single nucleotide variant.
Coding change: c.-2C>G on transcript NM_000465.4 (MANE Select); 2 bases upstream of the start codon, C replaced by G.
Molecular consequence: 5 prime UTR variant. On other transcripts: non-coding transcript variant (3).
Genome position (GRCh38, 1-based): chr2:214,809,571, G>C on the plus strand (C>G on the coding strand, the complement: BARD1 is on the minus strand). VCF-style: chr2-214809571-G-C. GRCh37 (hg19) VCF-style: chr2-215674295-G-C.
Other names: c.-2C>G (NM_001282543.2, NM_001282545.2, NM_001282548.2 and 1 more transcripts).
Identifiers: ClinVar variation 232400 (VCV000232400.17), dbSNP rs876659743, ClinGen allele CA10577875.

ClinVar aggregate classification (germline): Uncertain significance. Review status: criteria provided, multiple submitters, no conflicts (2 of 4 stars). 5 submissions from 5 submitters: Uncertain significance (5). Last evaluated 2025-09-16.

Conditions:
Hereditary cancer-predisposing syndrome. Also called: Neoplastic Syndromes, Hereditary; Hereditary Cancer Syndrome; Tumor predisposition; Hereditary neoplastic syndrome. Identifiers: Orphanet 140162, MedGen C0027672, MeSH D009386, MONDO:0015356.

Allele frequency attached by ClinVar (database versions not stated): gnomAD 0.00001; TOPMed 0.00001.
gnomAD v4.1: 2 of 1,545,908 alleles (0.00013%); highest among the groups gnomAD compares: Admixed American, 0.0019%; no homozygotes.

Submissions (5):

Color Diagnostics, LLC DBA Color Health
Classification: Uncertain significance for Hereditary cancer-predisposing syndrome. Last evaluated: 2025-09-16. Review status: criteria provided, single submitter. Criteria: ACMG Guidelines, 2015. Collection method: clinical testing. Allele origin: germline.
Comment: This variant causes a single nucleotide substitution in the 5' untranslated region of the BARD1 gene. To our knowledge, functional studies have not been reported for this variant. This variant has not been reported in individuals affected with hereditary cancer in the literature. This variant has not been identified in the general population by the Genome Aggregation Database (gnomAD). The available evidence is insufficient to determine the role of this variant in disease conclusively. Therefore, this variant is classified as a Variant of Uncertain Significance.

Ambry Genetics
Classification: Uncertain significance for Hereditary cancer-predisposing syndrome. Last evaluated: 2025-05-27. Review status: criteria provided, single submitter. Criteria: Ambry Variant Classification Scheme 2023. Collection method: clinical testing. Allele origin: germline.
Comment: The c.-2C>G variant is located in the 5' untranslated region (5&rsquo; UTR) of the BARD1 gene. This variant results from a C to G substitution 2 bases upstream from the first translated codon. This nucleotide position is not well conserved in available vertebrate species. Based on the available evidence, the clinical significance of this variant remains unclear.

Blueprint Genetics
Classification: Uncertain significance. Last evaluated: 2024-10-22. Review status: criteria provided, single submitter. Criteria: ACMG Guidelines, 2015. Collection method: clinical testing. Allele origin: germline.

GeneDx
Classification: Uncertain significance. Last evaluated: 2021-04-08. Review status: criteria provided, single submitter. Criteria: GeneDx Variant Classification Process June 2021. Collection method: clinical testing. Allele origin: germline. Affected: yes.
Comment: Has no predicted effect on splicing and the nucleotide is not conserved across species; Has not been previously published as pathogenic or benign to our knowledge; Not observed in large population cohorts (Lek 2016)

Quest Diagnostics Nichols Institute San Juan Capistrano
Classification: Uncertain significance. Last evaluated: 2019-02-22. Review status: criteria provided, single submitter. Criteria: Quest Diagnostics criteria. Collection method: clinical testing. Allele origin: germline.